The following is an entry in ClinVar:

ClinVar aggregate classification (germline): Uncertain significance (1 of 4 stars; one submission).

Conditions:
Immunodeficiency, common variable, 10. Also called: IMMUNODEFICIENCY, COMMON VARIABLE, WITH CENTRAL ADRENAL INSUFFICIENCY; DEFICIT IN ANTERIOR PITUITARY FUNCTION AND VARIABLE IMMUNODEFICIENCY. Identifiers: MedGen C3809991, MONDO:0014260, OMIM 615577.

Allele frequency attached by ClinVar (database versions not stated): gnomAD 0.00001; gnomAD exomes 0.00001; ExAC 0.00002; TOPMed 0.00003; 1000 Genomes Project 30x 0.00016; 1000 Genomes Project 0.00020.
gnomAD v4.1: 5 of 1,608,226 alleles (0.00031%); highest among the groups gnomAD compares: African/African-American, 0.0053%; no homozygotes.

Submission:

Labcorp Genetics (formerly Invitae), Labcorp
Classification: Uncertain significance for Immunodeficiency, common variable, 10. Last evaluated: 2023-08-27. Review status: criteria provided, single submitter. Criteria: Invitae Variant Classification Sherloc (09022015). Collection method: clinical testing. Allele origin: germline.
Comment: In summary, the available evidence is currently insufficient to determine the role of this variant in disease. Therefore, it has been classified as a Variant of Uncertain Significance. An algorithm developed to predict the effect of missense changes on protein structure and function (PolyPhen-2) suggests that this variant is likely to be tolerated. This variant has not been reported in the literature in individuals affected with NFKB2-related conditions. This variant is present in population databases (rs538227530, gnomAD 0.01%). This sequence change replaces histidine, which is basic and polar, with arginine, which is basic and polar, at codon 594 of the NFKB2 protein (p.His594Arg).

NM_001322934.2(NFKB2):c.1781A>G (p.His594Arg)

Gene: NFKB2 (nuclear factor kappa B subunit 2; plus strand). Cytogenetic location: 10q24.32.
Variant type: single nucleotide variant.
Coding change: c.1781A>G on transcript NM_001322934.2 (MANE Select); coding-DNA position 1781, A replaced by G.
Protein change: p.His594Arg; replaces histidine 594 with arginine.
Molecular consequence: missense variant.
Genome position (GRCh38, 1-based): chr10:102,400,474, A>G. VCF-style: chr10-102400474-A-G. GRCh37 (hg19) VCF-style: chr10-104160231-A-G.
Other names: c.1781A>G, p.His594Arg (NM_001077493.1, NM_001077494.3, NM_001261403.3 and 2 more transcripts); c.1655A>G, p.His552Arg (NM_001322935.1); short protein forms H594R, H552R.
Identifiers: ClinVar variation 2920242 (VCV002920242.3), dbSNP rs538227530, ClinGen allele CA5664888.